The following is an entry in ClinVar:

NM_015404.4(WHRN):c.1627-12G>A

Gene: WHRN (whirlin; minus strand). Cytogenetic location: 9q32.
Variant type: single nucleotide variant.
Coding change: c.1627-12G>A on transcript NM_015404.4 (MANE Select); 12 bases into the intron before coding-DNA position 1627, G replaced by A.
Molecular consequence: intron variant.
Genome position (GRCh38, 1-based): chr9:114,408,030, C>T on the plus strand (G>A on the coding strand, the complement: WHRN is on the minus strand). VCF-style: chr9-114408030-C-T. GRCh37 (hg19) VCF-style: chr9-117170310-C-T.
Other names: c.1627-12G>A (NM_001173425.2); c.478-12G>A (NM_001083885.3); c.574-12G>A (NM_001346890.1).
Identifiers: ClinVar variation 45660 (VCV000045660.27), dbSNP rs2274160, ClinGen allele CA136893.

ClinVar aggregate classification (germline): Benign. Review status: criteria provided, multiple submitters, no conflicts (2 of 4 stars). 8 submissions from 7 submitters: Benign (8). Last evaluated 2026-02-04.

Conditions:
Usher syndrome type 2D. Also called: USHER SYNDROME, TYPE IID. Identifiers: Orphanet 231178, Orphanet 886, MedGen C1568249, MONDO:0012662, OMIM 611383.
Autosomal recessive nonsyndromic hearing loss 31. Also called: WHIRLER, MOUSE, HOMOLOG OF. Identifiers: Orphanet 90636, MedGen C1846839, MONDO:0011767, OMIM 607084.

Allele frequency attached by ClinVar (database versions not stated): 1000 Genomes Project 30x 0.16412; 1000 Genomes Project 0.16434; gnomAD exomes 0.19890; TOPMed 0.21064; gnomAD 0.22700 and 0.23283; ESP Exome Variant Server 0.23182; ExAC 0.24989.
gnomAD v4.1: 363,022 of 1,585,538 alleles (23%); highest among the groups gnomAD compares: Middle Eastern, 25%; 43,783 homozygotes.

Submissions (8):

Labcorp Genetics (formerly Invitae), Labcorp
Classification: Benign. Last evaluated: 2026-02-04. Review status: criteria provided, single submitter. Criteria: Invitae Variant Classification Sherloc (09022015). Collection method: clinical testing. Allele origin: germline.

Genome-Nilou Lab
Classification: Benign for Autosomal recessive nonsyndromic hearing loss 31. Last evaluated: 2021-07-30. Review status: criteria provided, single submitter. Criteria: ACMG Guidelines, 2015. Collection method: clinical testing. Allele origin: germline. Affected: no.

Illumina Laboratory Services, Illumina
Classification: Benign for Autosomal recessive nonsyndromic hearing loss 31. Last evaluated: 2018-01-13. Review status: criteria provided, single submitter. Criteria: ICSL Variant Classification Criteria 13 December 2019. Collection method: clinical testing. Allele origin: germline.
Comment: This variant was observed in the ICSL laboratory as part of a predisposition screen in an ostensibly healthy population. It had not been previously curated by ICSL or reported in the Human Gene Mutation Database (HGMD: prior to June 1st, 2018), and was therefore a candidate for classification through an automated scoring system. Utilizing variant allele frequency, disease prevalence and penetrance estimates, and inheritance mode, an automated score was calculated to assess if this variant is too frequent to cause the disease. Based on the score and internal cut-off values, a variant classified as benign is not then subjected to further curation. The score for this variant resulted in a classification of benign for this disease.

Illumina Laboratory Services, Illumina
Classification: Benign for Usher syndrome type 2D. Last evaluated: 2018-01-13. Review status: criteria provided, single submitter. Criteria: ICSL Variant Classification Criteria 13 December 2019. Collection method: clinical testing. Allele origin: germline.
Comment: the same text as in the submission from Illumina Laboratory Services, Illumina above.

GeneDx
Classification: Benign. Last evaluated: 2015-03-03. Review status: criteria provided, single submitter. Criteria: GeneDx Variant Classification Process June 2021. Collection method: clinical testing. Allele origin: germline. Affected: yes.

Eurofins Ntd Llc (ga)
Classification: Benign. Last evaluated: 2014-04-28. Review status: criteria provided, single submitter. Criteria: EGL Classification Definitions 2015. Collection method: clinical testing. Allele origin: germline. Observed: 1 variant allele, 1 heterozygote.

Laboratory for Molecular Medicine, Mass General Brigham Personalized Medicine
Classification: Benign. Last evaluated: 2009-06-19. Review status: criteria provided, single submitter. Criteria: LMM Criteria. Collection method: clinical testing. Allele origin: germline. Observed: 727 variant alleles.

Breakthrough Genomics
Classification: Benign. Review status: criteria provided, single submitter. Criteria: ACMG Guidelines, 2015. Collection method: not provided. Allele origin: germline. Inheritance: Autosomal recessive inheritance. Affected: yes.